The following is an entry in ClinVar:

NM_000384.3(APOB):c.9523G>T (p.Ala3175Ser)

Gene: APOB (apolipoprotein B; minus strand). Cytogenetic location: 2p24.1.
Variant type: single nucleotide variant.
Coding change: c.9523G>T on transcript NM_000384.3 (MANE Select); coding-DNA position 9523, G replaced by T.
Protein change: p.Ala3175Ser; replaces alanine 3175 with serine.
Molecular consequence: missense variant.
Genome position (GRCh38, 1-based): chr2:21,007,345, C>A on the plus strand (G>T on the coding strand, the complement: APOB is on the minus strand). VCF-style: chr2-21007345-C-A. GRCh37 (hg19) VCF-style: chr2-21230217-C-A.
Other names: short protein forms A3175S.
Identifiers: ClinVar variation 3392894 (VCV003392894.2).
Genomic context (GRCh38, chr2:21,007,345, plus strand): 5'-CACAAAGCACAGCCAAAGGATTTGTGATGGAATGCCTGTGTTTGTTTTTCTTATACTGAG[C>A]TTTTACACTTAAATCAAATGATTGCTTTGTCGTTTTCAAGAATTCCTTCAAGCCTGTTTT-3'
Protein context (NP_000375.3, residues 3165-3185): TKQSFDLSVK[Ala3175Ser]QYKKNKHRHS

ClinVar aggregate classification (germline): Uncertain significance. Review status: criteria provided, multiple submitters, no conflicts (2 of 4 stars). 2 submissions from 2 submitters: Uncertain significance (2). Last evaluated 2025-08-27.

gnomAD v4.1: 1 of 1,613,958 alleles (0.000062%); highest among the groups gnomAD compares: Non-Finnish European, 0.000085%; no homozygotes.

Submissions (2):

Quest Diagnostics Nichols Institute San Juan Capistrano
Classification: Uncertain significance. Last evaluated: 2025-08-27. Review status: criteria provided, single submitter. Criteria: Quest Diagnostics criteria. Collection method: clinical testing. Allele origin: unknown.
Comment: The APOB c.9523G>T (p.Ala3175Ser) variant has not been reported in individuals with APOB-related conditions in the published literature. The frequency of this variant in the general population (Genome Aggregation Database) is uninformative in the assessment of its pathogenicity. Analysis of this variant using bioinformatics tools for the prediction of the effect of amino acid changes on protein structure and function yielded conflicting predictions that this variant is benign or damaging. Based on the available information, we are unable to determine the clinical significance of this variant.

GeneDx
Classification: Uncertain significance. Last evaluated: 2024-06-25. Review status: criteria provided, single submitter. Criteria: GeneDx Variant Classification Process June 2021. Collection method: clinical testing. Allele origin: germline. Affected: yes.
Comment: Has not been previously published as pathogenic or benign to our knowledge; Not observed at significant frequency in large population cohorts (gnomAD); In silico analysis indicates that this missense variant does not alter protein structure/function; Also known as p.(A3148S)